The following is an entry in ClinVar:

ClinVar aggregate classification (germline): Likely pathogenic. Review status: criteria provided, multiple submitters, no conflicts (2 of 4 stars). 2 submissions from 2 submitters: Likely pathogenic (2). Last evaluated 2024-03-15.

Conditions:
Glycogen storage disease, type II (IOPD). Also called: Glucosidase acid-1,4-alpha deficiency; Pompe Disease; POMPE DISEASE, INFANTILE-ONSET; GLYCOGEN STORAGE DISEASE II, INFANTILE-ONSET; ACID ALPHA-GLUCOSIDASE DEFICIENCY, INFANTILE-ONSET; GAA DEFICIENCY, INFANTILE-ONSET. Identifiers: Orphanet 365, MedGen C0017921, MONDO:0009290, OMIM 232300.

Allele frequency attached by ClinVar (database versions not stated): gnomAD exomes below 0.00001.
gnomAD v4.1: 1 of 1,612,676 alleles (0.000062%); no homozygotes.

Submissions (2):

Baylor Genetics
Classification: Likely pathogenic for Glycogen storage disease, type II. Last evaluated: 2024-03-15. Review status: criteria provided, single submitter. Criteria: ACMG Guidelines, 2015. Collection method: clinical testing. Allele origin: unknown.

Labcorp Genetics (formerly Invitae), Labcorp
Classification: Likely pathogenic for Glycogen storage disease, type II. Last evaluated: 2019-11-20. Review status: criteria provided, single submitter. Criteria: Invitae Variant Classification Sherloc (09022015). Collection method: clinical testing. Allele origin: germline.
Comment: In summary, the currently available evidence indicates that the variant is pathogenic, but additional data are needed to prove that conclusively. Therefore, this variant has been classified as Likely Pathogenic. Donor and acceptor splice site variants typically lead to a loss of protein function (PMID: 16199547), and loss-of-function variants in GAA are known to be pathogenic (PMID: 18425781, 22252923). Algorithms developed to predict the effect of sequence changes on RNA splicing suggest that this variant may disrupt the consensus splice site, but this prediction has not been confirmed by published transcriptional studies. Disruption of this splice site has been observed in individuals affected with glycogen storage disease type II (PMID: 29181627, 19588081). The frequency data for this variant in the population databases is considered unreliable, as metrics indicate poor data quality at this position in the ExAC database. This sequence change affects an acceptor splice site in intron 7 of the GAA gene. It is expected to disrupt RNA splicing and likely results in an absent or disrupted protein product.

Literature cited by the submitters: PubMed 16199547 (cited by Labcorp Genetics (formerly Invitae), Labcorp); PubMed 18425781 (cited by Labcorp Genetics (formerly Invitae), Labcorp); PubMed 22252923 (cited by Labcorp Genetics (formerly Invitae), Labcorp); PubMed 29181627 (cited by Labcorp Genetics (formerly Invitae), Labcorp); PubMed 19588081 (cited by Labcorp Genetics (formerly Invitae), Labcorp).

NM_000152.5(GAA):c.1195-2A>C

Gene: GAA (alpha glucosidase; plus strand). Cytogenetic location: 17q25.3.
Variant type: single nucleotide variant.
Coding change: c.1195-2A>C on transcript NM_000152.5 (MANE Select); the canonical splice acceptor site of the intron before coding-DNA position 1195, A replaced by C.
Molecular consequence: splice acceptor variant.
Genome position (GRCh38, 1-based): chr17:80,108,695, A>C. VCF-style: chr17-80108695-A-C. GRCh37 (hg19) VCF-style: chr17-78082494-A-C.
Other names: c.1195-2A>C (NM_001406741.1, NM_001406742.1, NM_001079803.3 and 1 more transcripts).
Identifiers: ClinVar variation 842290 (VCV000842290.11), dbSNP rs765360653, ClinGen allele CA8815229.